The following is an entry in ClinVar:

NC_012920.1(MT-CO3):m.9537dup

Gene: MT-CO3 (mitochondrially encoded cytochrome c oxidase III; plus strand).
Variant type: Duplication.
Genome position: chrM-9531-A-AC.
Identifiers: ClinVar variation 9656 (VCV000009656.5), dbSNP rs267606614, ClinGen allele CA120602.

ClinVar aggregate classification (germline): Likely pathogenic. Review status: reviewed by expert panel (3 of 4 stars). 4 submissions from 4 submitters: Likely pathogenic (1). 3 of the submissions do not count toward it. Last evaluated 2024-04-22.

Conditions:
Primary Mitochondrial Disorders. Identifiers: MedGen CN381104.
Mitochondrial disease. Also called: Mitochondrial disorder; Mitochondrial disorders. Identifiers: Orphanet 68380, MedGen C0751651, MeSH D028361, MONDO:0044970.
Leigh syndrome (NULS). Also called: Leigh's necrotizing encephalopathy; Leigh's disease; Leigh's syndrome; LEIGH SYNDROME, NUCLEAR; Leigh Disease; Leigh Syndrome (mtDNA deletion). Identifiers: Orphanet 506, MedGen C2931891, MONDO:0009723, OMIM 256000.
Mitochondrial complex IV deficiency, nuclear type 1 (MC4DN1). Also called: COX DEFICIENCY; Mitochondrial complex IV deficiency; Complex 4 mitochondrial respiratory chain deficiency; Deficiency of mitochondrial respiratory chain complex4; Complex IV deficiency. Identifiers: MedGen C5435656, MONDO:0700250, OMIM 220110. Disease mechanism: loss of function.

Submissions (4):

ClinGen Mitochondrial Disease Nuclear and Mitochondrial  Variant Curation Expert Panel, ClinGen
Classification: Likely pathogenic for Mitochondrial disease. Last evaluated: 2024-04-22. Review status: reviewed by expert panel. Criteria: clingen mito disease acmg specifications v1-1. Collection method: curation. Allele origin: germline. Inheritance: Mitochondrial inheritance.
Comment: The variant was reported as being “virtually homoplasmic” in skeletal muscle, fibroblasts, and lymphocytes. The variant was not detected in lymphocytes from her unaffected brother and maternal grandmother, and was similarly absent in lymphocytes, hair, and oral epithelial cells in her mother. However, technology at the time was limited in detecting low heteroplasmy levels. This variant is absent in the GenBank dataset, Helix dataset, and gnomAD v3.1.2 (PM2_supporting). There are no in silico predictors for this type of variant in mitochondrial DNA. This frameshift variant at amino position 111 creates a stop codon three positions downstream, resulting in a significant (57%) truncation of the MT-CO3 protein (PVS1_strong). Cybrid studies supported the functional impact of this variant (PMID: 11063732), as did studies in colonic crypt stem cells (PMID: 14597761; PS3_supporting). In summary, this variant meets criteria to be classified as likely pathogenic for primary mitochondrial disease inherited in a mitochondrial manner. This classification was approved by the NICHD/NINDS U24 ClinGen Mitochondrial Disease Variant Curation Expert Panel on April 22, 2024. Mitochondrial DNA-specific ACMG/AMP criteria applied (PMID: 32906214): PVS1_strong, PM2_supporting, PS3_supporting.

Variantyx, Inc.
Classification: Likely pathogenic for Primary mitochondrial disorders. Last evaluated: 2026-01-19. Review status: criteria provided, single submitter. Criteria: Variantyx Assertion Criteria 2022. Collection method: clinical testing. Allele origin: germline. Not counted in ClinVar's aggregate classification.
Comment: The m.9537dup, c.331dupC, p.Gln111fs change is a a frameshift single nucleotide variant in the MT-CO3 gene. Pathogenic variants in this gene have been associated with primary mitochondrial disorders. This variant introduces a premature termination codon, and is expected to alter or truncate 57% of the protein (PVS1_Strong). Functional analysis describes 15 to 20% residual activity in muscle, fibroblasts and cybrid Cy7, where the mitochondrial genotype was entirely composed of the 9537dupC mutant mtDNA species (PMID: 11063732).This variant is absent from control populations (PM2). Other reputable laboratories have reported this variant as pathogenic or likely pathogenic, and this classification has been validated by an expert panel in ClinVar (PP5). Based on the current evidence, this variant is classified as likely pathogenic for primary mitochondrial disorders.

OMIM
Classification: Pathogenic for MITOCHONDRIAL COMPLEX IV DEFICIENCY. Last evaluated: 2000-11-01. Review status: no assertion criteria provided. Collection method: literature only. Allele origin: germline. Not counted in ClinVar's aggregate classification.

GeneReviews
No classification provided. Condition: Leigh syndrome. Review status: no classification provided. Collection method: literature only. Allele origin: germline. Not counted in ClinVar's aggregate classification.

Literature cited by the submitters: PubMed 11063732 (cited by ClinGen Mitochondrial Disease Nuclear and Mitochondrial  Variant Curation Expert Panel, ClinGen and OMIM); PubMed 14597761 (cited by ClinGen Mitochondrial Disease Nuclear and Mitochondrial  Variant Curation Expert Panel, ClinGen); NCBI Bookshelf NBK1173 (cited by GeneReviews).